The following is an entry in ClinVar:

NM_001351132.2(PEX5):c.1182G>T (p.Arg394Ser)

Gene: PEX5 (peroxisomal biogenesis factor 5; plus strand). Cytogenetic location: 12p13.31.
Variant type: single nucleotide variant.
Coding change: c.1182G>T on transcript NM_001351132.2 (MANE Select); coding-DNA position 1182, G replaced by T.
Protein change: p.Arg394Ser; replaces arginine 394 with serine.
Molecular consequence: missense variant.
Genome position (GRCh38, 1-based): chr12:7,208,457, G>T. VCF-style: chr12-7208457-G-T. GRCh37 (hg19) VCF-style: chr12-7361053-G-T.
Other names: c.1158G>T, p.Arg386Ser (NM_000319.5); c.1227G>T, p.Arg409Ser (NM_001131023.2); c.1071G>T, p.Arg357Ser (NM_001131024.2, NM_001351124.3, NM_001351126.2 and 7 more transcripts); c.1182G>T, p.Arg394Ser (NM_001131025.2, NM_001131026.2, NM_001300789.3 and 4 more transcripts); c.1047G>T, p.Arg349Ser (NM_001351140.2, NM_001374649.2, NM_001351139.2); c.1116G>T, p.Arg372Ser (NM_001351135.3, NM_001351138.2); c.1173G>T, p.Arg391Ser (NM_001351136.2); short protein forms R357S, R394S, R372S, R386S, R409S, R349S, R391S.
Identifiers: ClinVar variation 1379917 (VCV001379917.6), dbSNP rs199624284, ClinGen allele CA6426400.

ClinVar aggregate classification (germline): Uncertain significance (1 of 4 stars; one submission).

Conditions:
Peroxisome biogenesis disorder 2B (PBD2B). Identifiers: Orphanet 44, MedGen C3550234, MONDO:0008736, OMIM 202370.

gnomAD v4.1: 17 of 1,611,618 alleles (0.0011%); highest among the groups gnomAD compares: South Asian, 0.018%; no homozygotes.

Submissions (2):

Labcorp Genetics (formerly Invitae), Labcorp
Classification: Uncertain significance for Peroxisome biogenesis disorder 2B. Last evaluated: 2024-03-11. Review status: criteria provided, single submitter. Criteria: Invitae Variant Classification Sherloc (09022015). Collection method: clinical testing. Allele origin: germline.
Comment: This sequence change replaces arginine, which is basic and polar, with serine, which is neutral and polar, at codon 394 of the PEX5 protein (p.Arg394Ser). This variant is present in population databases (rs199624284, gnomAD 0.03%). This variant has not been reported in the literature in individuals affected with PEX5-related conditions. ClinVar contains an entry for this variant (Variation ID: 1379917). An algorithm developed to predict the effect of missense changes on protein structure and function (PolyPhen-2) suggests that this variant is likely to be disruptive. Algorithms developed to predict the effect of sequence changes on RNA splicing suggest that this variant may disrupt the consensus splice site. In summary, the available evidence is currently insufficient to determine the role of this variant in disease. Therefore, it has been classified as a Variant of Uncertain Significance.

Dr. Peter K. Rogan Lab, Western University
No classification provided (evidence only). Condition: Pancreatic adenocarcinoma. Review status: no classification provided. Collection method: in vitro. Allele origin: not applicable. Functional consequence: retained intron. Not counted in ClinVar's aggregate classification.